The following is an entry in ClinVar:

NM_033026.6(PCLO):c.4726G>A (p.Glu1576Lys)

Gene: PCLO (piccolo presynaptic cytomatrix protein; minus strand). Cytogenetic location: 7q21.11.
Variant type: single nucleotide variant.
Coding change: c.4726G>A on transcript NM_033026.6 (MANE Select); coding-DNA position 4726, G replaced by A.
Protein change: p.Glu1576Lys; replaces glutamic acid 1576 with lysine.
Molecular consequence: missense variant.
Genome position (GRCh38, 1-based): chr7:82,956,227, C>T on the plus strand (G>A on the coding strand, the complement: PCLO is on the minus strand). VCF-style: chr7-82956227-C-T. GRCh37 (hg19) VCF-style: chr7-82585543-C-T.
Other names: c.4726G>A (NM_033026.5); c.4726G>A, p.Glu1576Lys (NM_014510.3); short protein forms E1576K.
Identifiers: ClinVar variation 2176202 (VCV002176202.2), dbSNP rs200242448, ClinGen allele CA4320770.

ClinVar aggregate classification (germline): Uncertain significance. Review status: criteria provided, multiple submitters, no conflicts (2 of 4 stars). 2 submissions from 2 submitters: Uncertain significance (2). Last evaluated 2024-03-26.

Conditions:
Inborn genetic diseases. Identifiers: MedGen C0950123, MeSH D030342.

gnomAD v4.1: 43 of 1,610,852 alleles (0.0027%); highest among the groups gnomAD compares: Middle Eastern, 0.049%; no homozygotes.

Submissions (2):

Ambry Genetics
Classification: Uncertain significance for Inborn genetic diseases. Last evaluated: 2024-03-26. Review status: criteria provided, single submitter. Criteria: Ambry Variant Classification Scheme 2023. Collection method: clinical testing. Allele origin: germline.

Labcorp Genetics (formerly Invitae), Labcorp
Classification: Uncertain significance. Last evaluated: 2022-08-10. Review status: criteria provided, single submitter. Criteria: Invitae Variant Classification Sherloc (09022015). Collection method: clinical testing. Allele origin: germline.
Comment: This sequence change replaces glutamic acid, which is acidic and polar, with lysine, which is basic and polar, at codon 1576 of the PCLO protein (p.Glu1576Lys). This variant is present in population databases (rs200242448, gnomAD 0.006%). This variant has not been reported in the literature in individuals affected with PCLO-related conditions. Algorithms developed to predict the effect of missense changes on protein structure and function are either unavailable or do not agree on the potential impact of this missense change (SIFT: "Deleterious"; PolyPhen-2: "Not Available"; Align-GVGD: "Class C0"). In summary, the available evidence is currently insufficient to determine the role of this variant in disease. Therefore, it has been classified as a Variant of Uncertain Significance.